The following is an entry in ClinVar:

NM_000138.5(FBN1):c.998del (p.Pro333fs)

Genes: FBN1 (fibrillin 1; minus strand), LOC113939944 (Sharpr-MPRA regulatory region 9539; plus strand). Cytogenetic location: 15q21.1.
Variant type: Deletion.
Coding change: c.998del on transcript NM_000138.5 (MANE Select); coding-DNA position 998, one base deleted (C; older notation c.998delC).
Protein change: p.Pro333fs; shifts the reading frame from proline 333.
Molecular consequence: frameshift variant.
Genome position (GRCh38, 1-based): chr15:48,520,808, G deleted on the plus strand (C on the coding strand, the reverse complement: FBN1 is on the minus strand); the first of 3 consecutive G bases (chr15:48,520,808-48,520,810); deleting any one gives the same sequence. VCF-style (leftmost placement, unchanged base first): chr15-48520807-TG-T. GRCh37 (hg19) VCF-style: chr15-48813004-TG-T.
Other names: c.998del, p.Pro333fs (NM_001406716.1); short protein forms P333fs.
Identifiers: ClinVar variation 3756924 (VCV003756924.3).

ClinVar aggregate classification (germline): Pathogenic/Likely pathogenic. Review status: criteria provided, multiple submitters, no conflicts (2 of 4 stars). 2 submissions from 2 submitters: Pathogenic (1); Likely pathogenic (1). Last evaluated 2026-07-07.

Conditions:
Progeroid and marfanoid aspect-lipodystrophy syndrome. Also called: MARFANOID-PROGEROID SYNDROME; MARFAN-PROGEROID-LIPODYSTROPHY SYNDROME; Marfan lipodystrophy syndrome; MARFANOID-PROGEROID-LIPODYSTROPHY SYNDROME. Identifiers: Orphanet 300382, MedGen C4310796, MONDO:0014831, OMIM 616914.
Marfan syndrome (MFS). Also called: MARFAN SYNDROME, TYPE I; Marfan syndrome type 1; Marfan's syndrome; Marfan syndrome, classic; FBN1-Related Marfan Syndrome. Identifiers: Orphanet 284963, Orphanet 558, MedGen C0024796, MONDO:0007947, OMIM 154700.
Familial thoracic aortic aneurysm and aortic dissection (TAAD). Also called: Thoracic aortic aneurysms and dissections. Identifiers: Orphanet 91387, MedGen C4707243, MONDO:0019625.

Submissions (2):

Medgenome Labs Ltd
Classification: Likely pathogenic for Progeroid and marfanoid aspect-lipodystrophy syndrome. Last evaluated: 2026-07-07. Review status: criteria provided, single submitter. Criteria: ACMG Guidelines, 2015. Collection method: clinical testing. Allele origin: germline. Affected: yes.

Labcorp Genetics (formerly Invitae), Labcorp
Classification: Pathogenic for Marfan syndrome; Familial thoracic aortic aneurysm and aortic dissection. Last evaluated: 2024-06-22. Review status: criteria provided, single submitter. Criteria: Invitae Variant Classification Sherloc (09022015). Collection method: clinical testing. Allele origin: germline.
Comment: This sequence change creates a premature translational stop signal (p.Pro333Glnfs*8) in the FBN1 gene. It is expected to result in an absent or disrupted protein product. Loss-of-function variants in FBN1 are known to be pathogenic (PMID: 17657824, 19293843). This variant is not present in population databases (gnomAD no frequency). This variant has not been reported in the literature in individuals affected with FBN1-related conditions. For these reasons, this variant has been classified as Pathogenic.

Literature cited by the submitters: PubMed 17657824 (cited by Labcorp Genetics (formerly Invitae), Labcorp); PubMed 19293843 (cited by Labcorp Genetics (formerly Invitae), Labcorp).